The following is an entry in ClinVar:

ClinVar aggregate classification (germline): Pathogenic. Review status: criteria provided, multiple submitters, no conflicts (2 of 4 stars). 3 submissions from 3 submitters: Pathogenic (3). Last evaluated 2026-06-29.

Conditions:
Ehlers-Danlos syndrome due to tenascin-X deficiency (EDSCLL1). Also called: EDS DUE TO TNX DEFICIENCY; TNX DEFICIENCY; TNXB-Related Classical-Like Ehlers-Danlos Syndrome; EHLERS-DANLOS SYNDROME, CLASSIC-LIKE; Ehlers-Danlos syndrome, classic-like, 1. Identifiers: Orphanet 230839, MedGen C1848029, MONDO:0011670, OMIM 606408.
Cardiovascular phenotype. Identifiers: MedGen CN230736.

gnomAD v4.1: 2 of 1,610,702 alleles (0.00012%); highest among the groups gnomAD compares: Non-Finnish European, 0.00017%; no homozygotes.

Submissions (3):

Ambry Genetics
Classification: Pathogenic for Cardiovascular phenotype. Last evaluated: 2026-06-29. Review status: criteria provided, single submitter. Criteria: Ambry Variant Classification Scheme 2023. Collection method: clinical testing. Allele origin: germline.
Comment: The p.R847* pathogenic mutation (also known as c.2539C>T), located in coding exon 5 of the TNXB gene, results from a C to T substitution at nucleotide position 2539. This changes the amino acid from an arginine to a stop codon within coding exon 5. This variant has been identified in conjunction with other TNXB variant(s) in individual(s) with features consistent with TNXB-related Ehlers-Danlos syndrome (Sakiyama T et al. J Dermatol, 2015 May;42:511-4). This variant is considered to be rare based on population cohorts in the Genome Aggregation Database (gnomAD). This variant is expected to result in loss of function by premature protein truncation or nonsense-mediated mRNA decay. As such, this variant is interpreted as a disease-causing mutation.

Women's Health and Genetics/Laboratory Corporation of America, LabCorp
Classification: Pathogenic for Ehlers-Danlos syndrome due to tenascin-X deficiency. Last evaluated: 2025-05-12. Review status: criteria provided, single submitter. Criteria: LabCorp Variant Classification Summary - May 2015. Collection method: clinical testing. Allele origin: germline.
Comment: Variant summary: TNXB c.2539C>T (p.Arg847X) results in a premature termination codon, predicted to cause a truncation of the encoded protein or absence of the protein due to nonsense mediated decay, which are commonly known mechanisms for disease. The variant allele was found at a frequency of 4e-06 in 248208 control chromosomes. c.2539C>T has been observed in at least one compound heterozygous individual affected with Ehlers-Danlos syndrome due to tenascin-X deficiency (e.g. Sakiyama_2015). At least one publication reports experimental evidence evaluating an impact on protein function showing absent TNX protein in patient serum and skin (e.g. Sakiyama_2015). The following publication has been ascertained in the context of this evaluation (PMID: 25772043). No submitters have cited clinical-significance assessments for this variant to ClinVar. Based on the evidence outlined above, the variant was classified as pathogenic.

Myriad Genetics, Inc.
Classification: Pathogenic for Ehlers-Danlos syndrome due to tenascin-X deficiency. Last evaluated: 2024-08-25. Review status: criteria provided, single submitter. Criteria: Myriad Autosomal Dominant, Autosomal Recessive and X-Linked Classification Criteria (2023). Collection method: clinical testing. Allele origin: unknown.
Comment: NM_019105.6(TNXB):c.2539C>T(R847*) is expected to be pathogenic in the context of classical-like Ehlers-Danlos syndrome, TNXB-related. This variant is predicted to lead to an abnormal or absent protein product due to the creation of a premature termination codon in TNXB, a gene where loss-of-function variants are known to be pathogenic. Please note: this variant was assessed in the context of healthy population screening.

Literature cited by the submitters: PubMed 25772043 (cited by Ambry Genetics and Women's Health and Genetics/Laboratory Corporation of America, LabCorp).

NM_001365276.2(TNXB):c.2539C>T (p.Arg847Ter)

Gene: TNXB (tenascin XB; minus strand). Cytogenetic location: 6p21.33.
Variant type: single nucleotide variant.
Coding change: c.2539C>T on transcript NM_001365276.2 (MANE Select); coding-DNA position 2539, C replaced by T.
Protein change: p.Arg847Ter; replaces arginine 847 with a stop codon.
Molecular consequence: nonsense.
Genome position (GRCh38, 1-based): chr6:32,089,025, G>A on the plus strand (C>T on the coding strand, the complement: TNXB is on the minus strand). VCF-style: chr6-32089025-G-A. GRCh37 (hg19) VCF-style: chr6-32056802-G-A.
Other names: c.2539C>T, p.Arg847Ter (NM_001428335.1, NM_019105.8); c.2539C>T (NM_019105.6); short protein forms R847*.
Identifiers: ClinVar variation 3902286 (VCV003902286.3).